The following is an entry in ClinVar:

ClinVar aggregate classification (germline): Benign/Likely benign. Review status: criteria provided, multiple submitters, no conflicts (2 of 4 stars). 24 submissions from 17 submitters: Benign (17); Likely benign (2). 5 of the submissions do not count toward it. Last evaluated 2026-02-03.

Conditions:
TTN-related disorder. Also called: TTN-related disorders; TTN-related condition; TTN-related disease.
Cardiovascular phenotype. Identifiers: MedGen CN230736.
Dilated cardiomyopathy 1G (CMD1G). Identifiers: Orphanet 154, MedGen C1858763, MONDO:0011400, OMIM 604145.
Autosomal recessive limb-girdle muscular dystrophy type 2J (LGMDR10). Also called: Limb-girdle muscular dystrophy, type 2J; MUSCULAR DYSTROPHY, LIMB-GIRDLE, AUTOSOMAL RECESSIVE 10. Identifiers: Orphanet 140922, MedGen C1837342, MONDO:0012127, OMIM 608807.
Cardiomyopathy (CMYO). Also called: Cardiomyopathies. Identifiers: Orphanet 167848, MedGen C0878544, MONDO:0004994, HP:0001638. Inheritance: Various modes of inheritance.
Early-onset myopathy with fatal cardiomyopathy (CMYO5). Also called: CONGENITAL MYOPATHY 5 WITH CARDIOMYOPATHY; Salih Myopathy. Identifiers: Orphanet 289377, MedGen C2673677, MONDO:0012714, OMIM 611705. Disease mechanism: loss of function.
Myopathy, myofibrillar, 9, with early respiratory failure (MFM9). Also called: MYOPATHY, PROXIMAL, WITH EARLY RESPIRATORY MUSCLE INVOLVEMENT; Myopathy, distal, with early respiratory failure, autosomal dominant; Hereditary myopathy with early respiratory failure; EDSTROM MYOPATHY. Identifiers: Orphanet 178464, Orphanet 34521, MedGen C1863599, MONDO:0011362, OMIM 603689.
Tibial muscular dystrophy (TMD). Also called: Tibial muscular dystrophy, tardive; UDD MYOPATHY; Udd Distal Myopathy – Tibial Muscular Dystrophy. Identifiers: Orphanet 609, MedGen C1838244, MONDO:0010870, OMIM 600334.

Allele frequency attached by ClinVar (database versions not stated): gnomAD exomes 0.00201 and 0.00486; ExAC 0.00633; ESP Exome Variant Server 0.01930; gnomAD 0.02023 and 0.02158; TOPMed 0.02296; 1000 Genomes Project 0.02396; 1000 Genomes Project 30x 0.02545.
gnomAD v4.1: 6,168 of 1,613,624 alleles (0.38%); highest among the groups gnomAD compares: African/African-American, 7.2%; 196 homozygotes.

Submissions (24):

Labcorp Genetics (formerly Invitae), Labcorp
Classification: Benign for Dilated cardiomyopathy 1G; Autosomal recessive limb-girdle muscular dystrophy type 2J. Last evaluated: 2026-02-03. Review status: criteria provided, single submitter. Criteria: Invitae Variant Classification Sherloc (09022015). Collection method: clinical testing. Allele origin: germline.

ARUP Laboratories, Molecular Genetics and Genomics, ARUP Laboratories
Classification: Benign. Last evaluated: 2025-07-08. Review status: criteria provided, single submitter. Criteria: ARUP Molecular Germline Variant Investigation Process 2024. Collection method: clinical testing. Allele origin: germline.

Molecular Diagnostic Laboratory for Inherited Cardiovascular Disease, Montreal Heart Institute
Classification: Benign. Last evaluated: 2025-04-09. Review status: criteria provided, single submitter. Criteria: ACMG Guidelines, 2015. Collection method: clinical testing. Allele origin: germline. Affected: no.

Mayo Clinic Laboratories, Mayo Clinic
Classification: Benign. Last evaluated: 2024-07-05. Review status: criteria provided, single submitter. Criteria: ACMG Guidelines, 2015. Collection method: clinical testing. Allele origin: germline. Observed: 40 variant alleles.
Comment: BA1, BP4, BP7

Genome-Nilou Lab
Classification: Benign for Autosomal recessive limb-girdle muscular dystrophy type 2J. Last evaluated: 2021-09-10. Review status: criteria provided, single submitter. Criteria: ACMG Guidelines, 2015. Collection method: clinical testing. Allele origin: germline. Affected: no.

Genome-Nilou Lab
Classification: Benign for Myopathy, myofibrillar, 9, with early respiratory failure. Last evaluated: 2021-09-10. Review status: criteria provided, single submitter. Criteria: ACMG Guidelines, 2015. Collection method: clinical testing. Allele origin: germline. Affected: no.

Genome-Nilou Lab
Classification: Benign for Early-onset myopathy with fatal cardiomyopathy. Last evaluated: 2021-09-10. Review status: criteria provided, single submitter. Criteria: ACMG Guidelines, 2015. Collection method: clinical testing. Allele origin: germline. Affected: no.

Genome-Nilou Lab
Classification: Benign for Tibial muscular dystrophy. Last evaluated: 2021-09-10. Review status: criteria provided, single submitter. Criteria: ACMG Guidelines, 2015. Collection method: clinical testing. Allele origin: germline. Affected: no.

Women's Health and Genetics/Laboratory Corporation of America, LabCorp
Classification: Benign. Last evaluated: 2020-05-10. Review status: criteria provided, single submitter. Criteria: LabCorp Variant Classification Summary - May 2015. Collection method: clinical testing. Allele origin: germline.

Illumina Laboratory Services, Illumina
Classification: Benign for Autosomal recessive limb-girdle muscular dystrophy type 2J. Last evaluated: 2018-01-12. Review status: criteria provided, single submitter. Criteria: ICSL Variant Classification Criteria 13 December 2019. Collection method: clinical testing. Allele origin: germline.
Comment: This variant was observed in the ICSL laboratory as part of a predisposition screen in an ostensibly healthy population. It had not been previously curated by ICSL or reported in the Human Gene Mutation Database (HGMD: prior to June 1st, 2018), and was therefore a candidate for classification through an automated scoring system. Utilizing variant allele frequency, disease prevalence and penetrance estimates, and inheritance mode, an automated score was calculated to assess if this variant is too frequent to cause the disease. Based on the score and internal cut-off values, a variant classified as benign is not then subjected to further curation. The score for this variant resulted in a classification of benign for this disease.

Illumina Laboratory Services, Illumina
Classification: Benign for Early-onset myopathy with fatal cardiomyopathy. Last evaluated: 2018-01-12. Review status: criteria provided, single submitter. Criteria: ICSL Variant Classification Criteria 13 December 2019. Collection method: clinical testing. Allele origin: germline.
Comment: the same text as in the submission from Illumina Laboratory Services, Illumina above.

Illumina Laboratory Services, Illumina
Classification: Likely benign for Dilated cardiomyopathy 1G. Last evaluated: 2018-01-12. Review status: criteria provided, single submitter. Criteria: ICSL Variant Classification Criteria 13 December 2019. Collection method: clinical testing. Allele origin: germline.
Comment: This variant was observed in the ICSL laboratory as part of a predisposition screen in an ostensibly healthy population. It had not been previously curated by ICSL or reported in the Human Gene Mutation Database (HGMD: prior to June 1st, 2018), and was therefore a candidate for classification through an automated scoring system. Utilizing variant allele frequency, disease prevalence and penetrance estimates, and inheritance mode, an automated score was calculated to assess if this variant is too frequent to cause the disease. Based on the score and internal cut-off values, a variant classified as likely benign is not then subjected to further curation. The score for this variant resulted in a classification of likely benign for this disease.

Illumina Laboratory Services, Illumina
Classification: Benign for Tibial muscular dystrophy. Last evaluated: 2018-01-12. Review status: criteria provided, single submitter. Criteria: ICSL Variant Classification Criteria 13 December 2019. Collection method: clinical testing. Allele origin: germline.
Comment: the same text as in the submission from Illumina Laboratory Services, Illumina above.

Illumina Laboratory Services, Illumina
Classification: Benign for Myopathy, myofibrillar, 9, with early respiratory failure. Last evaluated: 2018-01-12. Review status: criteria provided, single submitter. Criteria: ICSL Variant Classification Criteria 13 December 2019. Collection method: clinical testing. Allele origin: germline.
Comment: the same text as in the submission from Illumina Laboratory Services, Illumina above.

CHEO Genetics Diagnostic Laboratory, Children's Hospital of Eastern Ontario
Classification: Benign for Cardiomyopathy. Last evaluated: 2016-04-01. Review status: criteria provided, single submitter. Criteria: ACMG Guidelines, 2015. Collection method: clinical testing. Allele origin: germline. Study: Canadian Open Genetics Repository.

GeneDx
Classification: Benign. Last evaluated: 2014-01-02. Review status: criteria provided, single submitter. Criteria: GeneDx Variant Classification (06012015). Collection method: clinical testing. Allele origin: germline. Affected: yes.
Comment: This variant is considered likely benign or benign based on one or more of the following criteria: it is a conservative change, it occurs at a poorly conserved position in the protein, it is predicted to be benign by multiple in silico algorithms, and/or has population frequency not consistent with disease.

Ambry Genetics
Classification: Benign for Cardiovascular phenotype. Last evaluated: 2012-11-05. Review status: criteria provided, single submitter. Criteria: Ambry Autosomal Dominant and X-Linked criteria (10/2015). Collection method: clinical testing. Allele origin: germline. Observed: 1 variant allele.

Laboratory for Molecular Medicine, Mass General Brigham Personalized Medicine
Classification: Benign. Last evaluated: 2012-09-19. Review status: criteria provided, single submitter. Criteria: LMM Criteria. Collection method: clinical testing. Allele origin: germline. Observed: 27 variant alleles.
Comment: Thr3995Thr in exon 50 of TTN: This variant is not expected to have clinical sign ificance because it does not alter an amino acid residue and has been identified in 6.0% (223/3724) of African American chromosomes from a broad population by t he NHLBI Exome Sequencing Project (dbSNP rs72 648932).

Breakthrough Genomics
Classification: Likely benign. Review status: criteria provided, single submitter. Criteria: ACMG Guidelines, 2015. Collection method: not provided. Allele origin: germline. Inheritance: Autosomal recessive inheritance. Affected: yes.

PreventionGenetics, part of Exact Sciences
Classification: Benign for TTN-related condition. Last evaluated: 2019-03-12. Review status: no assertion criteria provided. Collection method: clinical testing. Allele origin: germline. Not counted in ClinVar's aggregate classification.
Comment: This variant is classified as benign based on ACMG/AMP sequence variant interpretation guidelines (Richards et al. 2015 PMID: 25741868, with internal and published modifications).

Clinical Genetics DNA and cytogenetics Diagnostics Lab, Erasmus MC, Erasmus Medical Center
Classification: Benign. Review status: no assertion criteria provided. Collection method: clinical testing. Allele origin: germline. Affected: yes. Study: VKGL Data-share Consensus. Not counted in ClinVar's aggregate classification.

Clinical Genetics, Academic Medical Center
Classification: Benign. Review status: no assertion criteria provided. Collection method: clinical testing. Allele origin: germline. Affected: yes. Study: VKGL Data-share Consensus. Not counted in ClinVar's aggregate classification.

Diagnostic Laboratory, Department of Genetics, University Medical Center Groningen
Classification: Likely benign. Review status: no assertion criteria provided. Collection method: clinical testing. Allele origin: germline. Affected: yes. Study: VKGL Data-share Consensus. Not counted in ClinVar's aggregate classification.

Joint Genome Diagnostic Labs from Nijmegen and Maastricht, Radboudumc and MUMC+
Classification: Benign. Review status: no assertion criteria provided. Collection method: clinical testing. Allele origin: germline. Affected: yes. Study: VKGL Data-share Consensus. Not counted in ClinVar's aggregate classification.

NM_001267550.2(TTN):c.15717G>A (p.Thr5239=)

Gene: TTN (titin; minus strand). Cytogenetic location: 2q31.2.
Variant type: single nucleotide variant.
Coding change: c.15717G>A on transcript NM_001267550.2 (MANE Select); coding-DNA position 15717, G replaced by A.
Protein change: p.Thr5239=; no amino-acid change (threonine 5239 retained).
Molecular consequence: synonymous variant. On other transcripts: intron variant (3).
Genome position (GRCh38, 1-based): chr2:178,733,672, C>T on the plus strand (G>A on the coding strand, the complement: TTN is on the minus strand). VCF-style: chr2-178733672-C-T. GRCh37 (hg19) VCF-style: chr2-179598399-C-T.
Other names: p.T3995T:ACG>ACA; p.Thr3995=; c.14766G>A, p.Thr4922= (NM_001256850.1); c.11985G>A, p.Thr3995= (NM_133378.4); c.13282+4410G>A (NM_003319.4); c.13858+4410G>A (NM_133437.4); c.13657+4410G>A (NM_133432.3).
Identifiers: ClinVar variation 46606 (VCV000046606.51), dbSNP rs72648932, ClinGen allele CA282683.
Genomic context (GRCh38, chr2:178,733,672, plus strand): 5'-ACCTTTAACTATTAATTCCCCAACAGATGTTTGGCTTCCAGCTTCATTTTCAGCCAGGCA[C>T]GTGTATTTGCCTCCAAAACTAATCTGAACATCAGGGATTATCAAGACTGCAACACCATTG-3'
Protein context (NP_001254479.2, residues 5229-5249): DVQISFGGKY[Thr5239=]CLAENEAGSQ